The following is an entry in ClinVar:

ClinVar aggregate classification (germline): Uncertain significance (1 of 4 stars; one submission).

Conditions:
Frasier syndrome. Identifiers: Orphanet 347, MedGen C0950122, MeSH D052159, MONDO:0007635, OMIM 136680.
Drash syndrome (DDS). Also called: WILMS TUMOR AND PSEUDO- OR TRUE HERMAPHRODITISM; NEPHROPATHY, WILMS TUMOR, AND GENITAL ANOMALIES. Identifiers: Orphanet 220, MedGen C0950121, MONDO:0008682, OMIM 194080.
Wilms tumor 1 (WT1). Also called: Wilms tumor, somatic. Identifiers: Orphanet 654, MedGen CN033288, MONDO:0008679, OMIM 194070.
11p partial monosomy syndrome (WAGR). Also called: WAGR syndrome; WAGR Complex; WAGR Spectrum Disorder; CHROMOSOME 11p13 DELETION SYNDROME. Identifiers: Orphanet 893, MedGen C0206115, MONDO:0008681, OMIM 194072.

Submission:

Labcorp Genetics (formerly Invitae), Labcorp
Classification: Uncertain significance for Wilms tumor 1; Drash syndrome; 11p partial monosomy syndrome; Frasier syndrome. Last evaluated: 2022-03-15. Review status: criteria provided, single submitter. Criteria: Invitae Variant Classification Sherloc (09022015). Collection method: clinical testing. Allele origin: germline.
Comment: This sequence change replaces leucine, which is neutral and non-polar, with valine, which is neutral and non-polar, at codon 94 of the WT1 protein (p.Leu94Val). In summary, the available evidence is currently insufficient to determine the role of this variant in disease. Therefore, it has been classified as a Variant of Uncertain Significance. Algorithms developed to predict the effect of missense changes on protein structure and function are either unavailable or do not agree on the potential impact of this missense change (SIFT: "Deleterious"; PolyPhen-2: "Benign"; Align-GVGD: "Class C0"). This variant has not been reported in the literature in individuals affected with WT1-related conditions. This variant is not present in population databases (gnomAD no frequency).

NM_024426.6(WT1):c.295C>G (p.Leu99Val)

Genes: WT1 (WT1 transcription factor; minus strand), LOC107982234 (WT1/WT1-AS bi-directional promoter region; plus strand). Cytogenetic location: 11p13.
Variant type: single nucleotide variant.
Coding change: c.295C>G on transcript NM_024426.6 (MANE Select); coding-DNA position 295, C replaced by G.
Protein change: p.Leu99Val; replaces leucine 99 with valine.
Molecular consequence: missense variant. On other transcripts: non-coding transcript variant (1).
Genome position (GRCh38, 1-based): chr11:32,435,066, G>C on the plus strand (C>G on the coding strand, the complement: WT1 is on the minus strand). VCF-style: chr11-32435066-G-C. GRCh37 (hg19) VCF-style: chr11-32456612-G-C.
Other names: c.295C>G, p.Leu99Val (NM_000378.6, NM_001407044.1, NM_001407045.1 and 6 more transcripts); c.280C>G, p.Leu94Val (NM_024425.2); short protein forms L94V, L99V.
Identifiers: ClinVar variation 2176943 (VCV002176943.4), dbSNP rs1590410472, ClinGen allele CA379965985.
Genomic context (GRCh38, chr11:32,435,066, plus strand): 5'-AAGCGCCCGGGGGCGCAAAGTCCAGCACCGGCGCCCACTGCGCCGCGCCGCTCACAGGCA[G>C]GGCACAGCCGCCGCCGCCACCCAGGGAGGGGACGGCGGGCAGCAGCGCGTTCAGGTCCCG-3'
Protein context (NP_077744.4, residues 89-109): PSLGGGGGCA[Leu99Val]PVSGAAQWAP